The following is an entry in ClinVar:

NM_177550.5(SLC13A5):c.369-12C>T

Gene: SLC13A5 (solute carrier family 13 member 5; minus strand). Cytogenetic location: 17p13.1.
Variant type: single nucleotide variant.
Coding change: c.369-12C>T on transcript NM_177550.5 (MANE Select); 12 bases into the intron before coding-DNA position 369, C replaced by T.
Molecular consequence: intron variant.
Genome position (GRCh38, 1-based): chr17:6,704,068, G>A on the plus strand (C>T on the coding strand, the complement: SLC13A5 is on the minus strand). VCF-style: chr17-6704068-G-A. GRCh37 (hg19) VCF-style: chr17-6607387-G-A.
Other names: c.240-12C>T (NM_001284510.2); c.369-63C>T (NM_001284509.2); c.369-12C>T (NM_001143838.3).
Identifiers: ClinVar variation 513213 (VCV000513213.9), dbSNP rs375349735, ClinGen allele CA8331727.

ClinVar aggregate classification (germline): Likely benign. Review status: criteria provided, multiple submitters, no conflicts (2 of 4 stars). 2 submissions from 2 submitters: Likely benign (2). Last evaluated 2025-05-14.

Conditions:
Developmental and epileptic encephalopathy, 25 (DEE25). Also called: Epileptic encephalopathy, early infantile, 25; Developmental and epileptic encephalopathy 25, with amelogenesis imperfecta; Epileptic encephalopathy, early infantile, 25, with amelogenesis imperfecta. Identifiers: Orphanet 442835, MedGen C4014621, MONDO:0014392, OMIM 615905.

Allele frequency attached by ClinVar (database versions not stated): ESP Exome Variant Server 0.00008; TOPMed 0.00009; gnomAD 0.00010 and 0.00012; gnomAD exomes 0.00014; ExAC 0.00019.
gnomAD v4.1: 211 of 1,606,018 alleles (0.013%); highest among the groups gnomAD compares: Non-Finnish European, 0.014%; no homozygotes.

Submissions (2):

Labcorp Genetics (formerly Invitae), Labcorp
Classification: Likely benign for Developmental and epileptic encephalopathy, 25. Last evaluated: 2025-05-14. Review status: criteria provided, single submitter. Criteria: Invitae Variant Classification Sherloc (09022015). Collection method: clinical testing. Allele origin: germline.

GeneDx
Classification: Likely benign. Last evaluated: 2017-11-07. Review status: criteria provided, single submitter. Criteria: GeneDx Variant Classification (06012015). Collection method: clinical testing. Allele origin: germline. Affected: yes.
Comment: This variant is considered likely benign or benign based on one or more of the following criteria: it is a conservative change, it occurs at a poorly conserved position in the protein, it is predicted to be benign by multiple in silico algorithms, and/or has population frequency not consistent with disease.